The following is an entry in ClinVar:

NM_004553.6(NDUFS6):c.309+4C>T

Gene: NDUFS6 (NADH:ubiquinone oxidoreductase subunit S6; plus strand). Cytogenetic location: 5p15.33.
Variant type: single nucleotide variant.
Coding change: c.309+4C>T on transcript NM_004553.6 (MANE Select); 4 bases into the intron after coding-DNA position 309, C replaced by T.
Molecular consequence: intron variant.
Genome position (GRCh38, 1-based): chr5:1,814,465, C>T. VCF-style: chr5-1814465-C-T. GRCh37 (hg19) VCF-style: chr5-1814579-C-T.
Identifiers: ClinVar variation 2141982 (VCV002141982.1), dbSNP rs763042594, ClinGen allele CA3187645.

ClinVar aggregate classification (germline): Uncertain significance (1 of 4 stars; one submission).

Allele frequency attached by ClinVar (database versions not stated): TOPMed below 0.00001; ExAC 0.00001; gnomAD 0.00001; gnomAD exomes 0.00001.

Submission:

Labcorp Genetics (formerly Invitae), Labcorp
Classification: Uncertain significance. Last evaluated: 2022-07-07. Review status: criteria provided, single submitter. Criteria: Invitae Variant Classification Sherloc (09022015). Collection method: clinical testing. Allele origin: germline.
Comment: This sequence change falls in intron 3 of the NDUFS6 gene. It does not directly change the encoded amino acid sequence of the NDUFS6 protein. It affects a nucleotide within the consensus splice site. This variant is present in population databases (rs763042594, gnomAD 0.006%). This variant has not been reported in the literature in individuals affected with NDUFS6-related conditions. Variants that disrupt the consensus splice site are a relatively common cause of aberrant splicing (PMID: 17576681, 9536098). Algorithms developed to predict the effect of sequence changes on RNA splicing suggest that this variant may create or strengthen a splice site. In summary, the available evidence is currently insufficient to determine the role of this variant in disease. Therefore, it has been classified as a Variant of Uncertain Significance.

Literature cited by the submitters: PubMed 17576681; PubMed 9536098.